The following is an entry in ClinVar:

NM_001378454.1(ALMS1):c.8419C>A (p.Gln2807Lys)

Gene: ALMS1 (ALMS1 centrosome and basal body associated protein; plus strand). Cytogenetic location: 2p13.1.
Variant type: single nucleotide variant.
Coding change: c.8419C>A on transcript NM_001378454.1 (MANE Select); coding-DNA position 8419, C replaced by A.
Protein change: p.Gln2807Lys; replaces glutamine 2807 with lysine.
Molecular consequence: missense variant.
Genome position (GRCh38, 1-based): chr2:73,490,378, C>A. VCF-style: chr2-73490378-C-A. GRCh37 (hg19) VCF-style: chr2-73717505-C-A.
Other names: c.8422C>A, p.Gln2808Lys (NM_015120.4); short protein forms Q2807K, Q2808K.
Identifiers: ClinVar variation 1487815 (VCV001487815.3), dbSNP rs1314753569, ClinGen allele CA347268784.
Genomic context (GRCh38, chr2:73,490,378, plus strand): 5'-ATTTTAGCAGAAGGTAGAAGGCAAAGCCAAAAATTACCTGTTGATTTTGAGCGTTCTTTT[C>A]AAGAAGAAAAACCCTTAGAAAGATCAGATTTTACAGGCAGTCATTCTGAGCCCAGTACCA-3'
Protein context (NP_001365383.1, residues 2797-2817): KLPVDFERSF[Gln2807Lys]EEKPLERSDF

ClinVar aggregate classification (germline): Uncertain significance (1 of 4 stars; one submission).

Conditions:
Alstrom syndrome (ALMS). Identifiers: Orphanet 64, MedGen C0268425, MONDO:0008763, OMIM 203800.

Allele frequency attached by ClinVar (database versions not stated): TOPMed below 0.00001.
gnomAD v4.1: 23 of 1,613,252 alleles (0.0014%); highest among the groups gnomAD compares: Non-Finnish European, 0.0019%; no homozygotes.

Submission:

Labcorp Genetics (formerly Invitae), Labcorp
Classification: Uncertain significance for Alstrom syndrome. Last evaluated: 2022-06-03. Review status: criteria provided, single submitter. Criteria: Invitae Variant Classification Sherloc (09022015). Collection method: clinical testing. Allele origin: germline.
Comment: This sequence change replaces glutamine, which is neutral and polar, with lysine, which is basic and polar, at codon 2808 of the ALMS1 protein (p.Gln2808Lys). This variant is present in population databases (no rsID available, gnomAD 0.007%). This variant has not been reported in the literature in individuals affected with ALMS1-related conditions. ClinVar contains an entry for this variant (Variation ID: 1487815). Experimental studies and prediction algorithms are not available or were not evaluated, and the functional significance of this variant is currently unknown. In summary, the available evidence is currently insufficient to determine the role of this variant in disease. Therefore, it has been classified as a Variant of Uncertain Significance.